The following is an entry in ClinVar:

ClinVar aggregate classification (germline): Uncertain significance (1 of 4 stars; one submission).

Conditions:
GPD1-related disorder. Also called: GPD1-related condition.

gnomAD v4.1: 59 of 1,614,106 alleles (0.0037%); highest among the groups gnomAD compares: Middle Eastern, 0.049%; no homozygotes.

Submission:

PreventionGenetics, part of Exact Sciences
Classification: Uncertain significance for GPD1-related condition. Last evaluated: 2026-04-13. Review status: criteria provided, single submitter. Criteria: ACMG Guidelines, 2015. Collection method: clinical testing. Allele origin: germline.
Comment: The GPD1 c.661G>A variant is predicted to result in the amino acid substitution p.Asp221Asn. To our knowledge, this variant has not been reported in the literature. This variant is reported in 0.020% of alleles in individuals of East Asian descent in gnomAD. At this time, the clinical significance of this variant is uncertain due to the absence of conclusive functional and genetic evidence.

NM_005276.4(GPD1):c.661G>A (p.Asp221Asn)

Gene: GPD1 (glycerol-3-phosphate dehydrogenase 1; plus strand). Cytogenetic location: 12q13.12.
Variant type: single nucleotide variant.
Coding change: c.661G>A on transcript NM_005276.4 (MANE Select); coding-DNA position 661, G replaced by A.
Protein change: p.Asp221Asn; replaces aspartic acid 221 with asparagine.
Molecular consequence: missense variant.
Genome position (GRCh38, 1-based): chr12:50,107,615, G>A. VCF-style: chr12-50107615-G-A. GRCh37 (hg19) VCF-style: chr12-50501398-G-A.
Other names: c.592G>A, p.Asp198Asn (NM_001257199.2); short protein forms D198N, D221N.
Identifiers: ClinVar variation 4977427 (VCV004977427.1).
Genomic context (GRCh38, chr12:50,107,615, plus strand): 5'-CACTCCTTCAAGAATGTAGTGGCCGTGGGGGCTGGCTTCTGTGATGGCCTGGGCTTTGGC[G>A]ACAACACCAAGGCGGCAGTGATCCGGCTGGGACTCATGGAGATGATAGCCTTCGCCAAGC-3'
Protein context (NP_005267.2, residues 211-231): AGFCDGLGFG[Asp221Asn]NTKAAVIRLG